The following is an entry in ClinVar:

ClinVar aggregate classification (germline): Likely pathogenic (1 of 4 stars; one submission).

Conditions:
GM3 synthase deficiency (SPDRS). Also called: SALT AND PEPPER MENTAL RETARDATION SYNDROME; SALT AND PEPPER DEVELOPMENTAL REGRESSION SYNDROME; AMISH INFANTILE EPILEPSY SYNDROME. Identifiers: Orphanet 171714, Orphanet 370933, MedGen C1836824, MONDO:0018274, OMIM 609056.

Submission:

Neuberg Centre For Genomic Medicine, NCGM
Classification: Likely pathogenic for GM3 synthase deficiency. Last evaluated: 2023-06-22. Review status: criteria provided, single submitter. Criteria: ACMG Guidelines, 2015. Collection method: clinical testing. Allele origin: germline. Inheritance: Autosomal recessive inheritance. Affected: yes.
Comment: The frameshift variant c.279_280insT p.Met94TyrfsTer10 in the ST3GAL5 gene has not been reported previously as a pathogenic variant nor as a benign variant, to our knowledge. The variant is absent novel not in any individuals in gnomAD Exomes. This variant causes a frameshift starting with codon Methionine 94, changes this amino acid to Tyrosine residue, and creates a premature Stop codon at position 10 of the new reading frame. This variant is predicted to cause loss of normal protein function through protein truncation. Loss of function variants have been previously reported to be disease causing Lee et al., 2016. For these reasons, this variant has been classified as Likely Pathogenic.

NM_003896.4(ST3GAL5):c.279_280insT (p.Met94fs)

Gene: ST3GAL5 (ST3 beta-galactoside alpha-2,3-sialyltransferase 5; minus strand). Cytogenetic location: 2p11.2.
Variant type: Insertion.
Coding change: c.279_280insT on transcript NM_003896.4 (MANE Select); coding-DNA positions 279 to 280, T inserted.
Protein change: p.Met94fs; shifts the reading frame from methionine 94.
Molecular consequence: frameshift variant. On other transcripts: 5 prime UTR variant (5).
Genome position: GRCh38 VCF-style: chr2-85861219-T-TA. GRCh37 (hg19) VCF-style: chr2-86088342-T-TA.
Other names: c.210_211insT, p.Met71fs (NM_001042437.2); c.-283_-282insT (NM_001354223.2, NM_001354226.2); c.-346_-345insT (NM_001354224.2); c.195_196insT, p.Met66fs (NM_001354227.2, NM_001354229.2, NM_001354238.1); c.-723_-722insT (NM_001354233.2); c.-687_-686insT (NM_001354234.1); c.279_280insT, p.Met94fs (NM_001363847.1); short protein forms M66fs, M71fs, M94fs.
Identifiers: ClinVar variation 3391378 (VCV003391378.1).
Genomic context (GRCh38, chr2:85,861,219, plus strand): 5'-CCACACCAATGGGATATCTAACCTTTACATGGTCAGGGTCCACATAATGCATTTTTTTCA[T>TA]GTCACATTCTTCAGTAGTATAATTTAACTTGAGGATATAAAGGATCCACACTCCAAACAC-3'